The following is an entry in ClinVar:

ClinVar aggregate classification (germline): Conflicting classifications of pathogenicity. Review status: criteria provided, conflicting classifications (1 of 4 stars). 2 submissions from 2 submitters: Uncertain significance (1); Likely benign (1). Last evaluated 2022-11-22.

Conditions:
Candidiasis, familial, 9 (CANDF9). Identifiers: Orphanet 1334, MedGen C4225324, MONDO:0014642, OMIM 616445.

Allele frequency attached by ClinVar (database versions not stated): TOPMed 0.00002; ESP Exome Variant Server 0.00008.
gnomAD v4.1: 41 of 1,613,682 alleles (0.0025%); highest among the groups gnomAD compares: South Asian, 0.018%; 1 homozygote.

Submissions (3):

Labcorp Genetics (formerly Invitae), Labcorp
Classification: Uncertain significance for Candidiasis, familial, 9. Last evaluated: 2022-11-22. Review status: criteria provided, single submitter. Criteria: Invitae Variant Classification Sherloc (09022015). Collection method: clinical testing. Allele origin: germline.
Comment: This sequence change replaces alanine, which is neutral and non-polar, with valine, which is neutral and non-polar, at codon 133 of the IL17RC protein (p.Ala133Val). This variant is present in population databases (rs371746550, gnomAD 0.03%). This variant has not been reported in the literature in individuals affected with IL17RC-related conditions. Algorithms developed to predict the effect of missense changes on protein structure and function output the following: SIFT: "Tolerated"; PolyPhen-2: "Benign"; Align-GVGD: "Class C0". The valine amino acid residue is found in multiple mammalian species, which suggests that this missense change does not adversely affect protein function. In summary, the available evidence is currently insufficient to determine the role of this variant in disease. Therefore, it has been classified as a Variant of Uncertain Significance.

Ambry Genetics
Classification: Likely benign. Last evaluated: 2021-07-20. Review status: criteria provided, single submitter. Criteria: Ambry Variant Classification Scheme 2023. Collection method: clinical testing. Allele origin: germline.

Dr. Peter K. Rogan Lab, Western University
No classification provided (evidence only). Condition: Thymoma. Review status: no classification provided. Collection method: in vitro. Allele origin: not applicable. Functional consequence: retained intron. Not counted in ClinVar's aggregate classification.

NM_153460.4(IL17RC):c.185C>T (p.Ala62Val)

Gene: IL17RC (interleukin 17 receptor C; plus strand). Cytogenetic location: 3p25.3.
Variant type: single nucleotide variant.
Coding change: c.185C>T on transcript NM_153460.4 (MANE Select); coding-DNA position 185, C replaced by T.
Protein change: p.Ala62Val; replaces alanine 62 with valine.
Molecular consequence: missense variant. On other transcripts: non-coding transcript variant (1).
Genome position (GRCh38, 1-based): chr3:9,917,980, C>T. VCF-style: chr3-9917980-C-T. GRCh37 (hg19) VCF-style: chr3-9959664-C-T.
Other names: c.185C>T, p.Ala62Val (NM_001203263.2, NM_001203264.2, NM_001203265.2 and 5 more transcripts); c.398C>T, p.Ala133Val (NM_153461.4); short protein forms A133V, A62V.
Identifiers: ClinVar variation 2379690 (VCV002379690.6), dbSNP rs371746550, ClinGen allele CA2246765.